The following is an entry in ClinVar:

NM_016247.4(IMPG2):c.2384G>A (p.Arg795Lys)

Gene: IMPG2 (interphotoreceptor matrix proteoglycan 2; minus strand). Cytogenetic location: 3q12.3.
Variant type: single nucleotide variant.
Coding change: c.2384G>A on transcript NM_016247.4 (MANE Select); coding-DNA position 2384, G replaced by A.
Protein change: p.Arg795Lys; replaces arginine 795 with lysine.
Molecular consequence: missense variant.
Genome position (GRCh38, 1-based): chr3:101,243,947, C>T on the plus strand (G>A on the coding strand, the complement: IMPG2 is on the minus strand). VCF-style: chr3-101243947-C-T. GRCh37 (hg19) VCF-style: chr3-100962791-C-T.
Other names: short protein forms R795K.
Identifiers: ClinVar variation 1999563 (VCV001999563.4), dbSNP rs2508943365, ClinGen allele CA353857572.

ClinVar aggregate classification (germline): Uncertain significance (1 of 4 stars; one submission).

Allele frequency attached by ClinVar (database versions not stated): gnomAD exomes below 0.00001.
gnomAD v4.1: 1 of 1,614,182 alleles (0.000062%); highest among the groups gnomAD compares: Non-Finnish European, 0.000085%; no homozygotes.

Submission:

Labcorp Genetics (formerly Invitae), Labcorp
Classification: Uncertain significance. Last evaluated: 2022-05-27. Review status: criteria provided, single submitter. Criteria: Invitae Variant Classification Sherloc (09022015). Collection method: clinical testing. Allele origin: germline.
Comment: Algorithms developed to predict the effect of missense changes on protein structure and function output the following: SIFT: "Tolerated"; PolyPhen-2: "Benign"; Align-GVGD: "Class C0". The lysine amino acid residue is found in multiple mammalian species, which suggests that this missense change does not adversely affect protein function. In summary, the available evidence is currently insufficient to determine the role of this variant in disease. Therefore, it has been classified as a Variant of Uncertain Significance. This variant has not been reported in the literature in individuals affected with IMPG2-related conditions. This variant is not present in population databases (gnomAD no frequency). This sequence change replaces arginine, which is basic and polar, with lysine, which is basic and polar, at codon 795 of the IMPG2 protein (p.Arg795Lys).